The following is an entry in ClinVar:

NM_007194.4(CHEK2):c.1089T>C (p.Leu363=)

Gene: CHEK2 (checkpoint kinase 2; minus strand). Cytogenetic location: 22q12.1.
Variant type: single nucleotide variant.
Coding change: c.1089T>C on transcript NM_007194.4 (MANE Select); coding-DNA position 1089, T replaced by C.
Protein change: p.Leu363=; no amino-acid change (leucine 363 retained).
Molecular consequence: synonymous variant. On other transcripts: intron variant (3).
Genome position (GRCh38, 1-based): chr22:28,696,907, A>G on the plus strand (T>C on the coding strand, the complement: CHEK2 is on the minus strand). VCF-style: chr22-28696907-A-G. GRCh37 (hg19) VCF-style: chr22-29092895-A-G.
Other names: c.1218T>C, p.Leu406= (NM_001005735.3); c.426T>C, p.Leu142= (NM_001257387.3, NM_001437942.1); c.888T>C, p.Leu296= (NM_001349956.3); c.1182T>C, p.Leu394= (NM_001438293.1); c.1009-1034T>C (NM_145862.3); c.1102-1034T>C (NM_001438295.1); c.1138-1034T>C (NM_001438294.1).
Identifiers: ClinVar variation 231064 (VCV000231064.22), dbSNP rs761681864, ClinGen allele CA10167735.
Genomic context (GRCh38, chr22:28,696,907, plus strand): 5'-GTTTCTGAACAAGAATCTACAGGAATAGCCACATACAGAATGCCAATTTCTTACCTTTAT[A>G]AGACAGTCCTCTTCTTGAGATGACAGTAAAACATTCTCTGGCTTTAAGTCACGGTGTATA-3'
Protein context (NP_009125.1, residues 353-373): VLLSSQEEDC[Leu363=]IKITDFGHSK

ClinVar aggregate classification (germline): Benign/Likely benign. Review status: criteria provided, multiple submitters, no conflicts (2 of 4 stars). 6 submissions from 6 submitters: Benign (1); Likely benign (5). Last evaluated 2025-12-31.

Conditions:
Hereditary cancer-predisposing syndrome. Also called: Neoplastic Syndromes, Hereditary; Tumor predisposition; Hereditary Cancer Syndrome; Hereditary neoplastic syndrome. Identifiers: Orphanet 140162, MedGen C0027672, MeSH D009386, MONDO:0015356.
Familial cancer of breast. Also called: BREAST CANCER, FAMILIAL; hereditary breast carcinoma; Hereditary breast cancer. Identifiers: Orphanet 227535, MedGen C0346153, MONDO:0016419, OMIM 114480. Disease mechanism: loss of function.

Allele frequency attached by ClinVar (database versions not stated): gnomAD 0.00001; TOPMed 0.00002; ExAC 0.00006; gnomAD exomes 0.00011.
gnomAD v4.1: 32 of 1,606,284 alleles (0.002%); highest among the groups gnomAD compares: Admixed American, 0.052%; no homozygotes.

Submissions (6):

Labcorp Genetics (formerly Invitae), Labcorp
Classification: Likely benign for Familial cancer of breast. Last evaluated: 2025-12-31. Review status: criteria provided, single submitter. Criteria: Invitae Variant Classification Sherloc (09022015). Collection method: clinical testing. Allele origin: germline.

Myriad Genetics, Inc.
Classification: Benign for Familial cancer of breast. Last evaluated: 2024-10-04. Review status: criteria provided, single submitter. Criteria: Myriad Autosomal Dominant, Autosomal Recessive and X-Linked Classification Criteria (2023). Collection method: clinical testing. Allele origin: unknown.
Comment: This variant is considered benign. This variant is a silent/synonymous amino acid change and it is not expected to impact splicing.

Sema4
Classification: Likely benign for Hereditary cancer-predisposing syndrome. Last evaluated: 2021-12-16. Review status: criteria provided, single submitter. Criteria: Sema4 Curation Guidelines. Collection method: curation. Allele origin: germline.

GeneDx
Classification: Likely benign. Last evaluated: 2020-10-14. Review status: criteria provided, single submitter. Criteria: GeneDx Variant Classification Process June 2021. Collection method: clinical testing. Allele origin: germline. Affected: yes.

Color Diagnostics, LLC DBA Color Health
Classification: Likely benign for Hereditary cancer-predisposing syndrome. Last evaluated: 2017-11-14. Review status: criteria provided, single submitter. Criteria: ACMG Guidelines, 2015. Collection method: clinical testing. Allele origin: germline.

Ambry Genetics
Classification: Likely benign for Hereditary cancer-predisposing syndrome. Last evaluated: 2015-03-30. Review status: criteria provided, single submitter. Criteria: Ambry Variant Classification Scheme 2023. Collection method: clinical testing. Allele origin: germline.